The following is an entry in ClinVar:

ClinVar aggregate classification (germline): Likely pathogenic. Review status: criteria provided, multiple submitters, no conflicts (2 of 4 stars). 2 submissions from 2 submitters: Likely pathogenic (2). Last evaluated 2023-08-16.

Conditions:
Congenital lactic acidosis, Saguenay-Lac-Saint-Jean type (MC4DN5). Also called: CYTOCHROME c OXIDASE DEFICIENCY, FRENCH CANADIAN TYPE; COX DEFICIENCY, FRENCH CANADIAN TYPE; MITOCHONDRIAL COMPLEX IV DEFICIENCY, NUCLEAR TYPE 5. Identifiers: Orphanet 70472, MedGen C1857355, MONDO:0009069, OMIM 220111.

Submissions (2):

Baylor Genetics
Classification: Likely pathogenic for Congenital lactic acidosis, Saguenay-Lac-Saint-Jean type. Last evaluated: 2023-08-16. Review status: criteria provided, single submitter. Criteria: ACMG Guidelines, 2015. Collection method: clinical testing. Allele origin: unknown.

Myriad Genetics, Inc.
Classification: Likely pathogenic for Congenital lactic acidosis, Saguenay-Lac-Saint-Jean type. Last evaluated: 2021-12-17. Review status: criteria provided, single submitter. Criteria: Myriad Women's Health Autosomal Recessive and X-Linked Classification Criteria (2021). Collection method: clinical testing. Allele origin: unknown.
Comment: NM_133259.3(LRPPRC):c.2086C>T(Q696*) is expected to be pathogenic in the context of Leigh syndrome, French-Canadian type. This variant is predicted to lead to an abnormal or absent protein product due to the creation of a premature termination codon in LRPPRC, a gene where loss-of-function variants are known to be pathogenic. Please note: this variant was assessed in the context of healthy population screening.

NM_133259.4(LRPPRC):c.2086C>T (p.Gln696Ter)

Gene: LRPPRC (leucine rich pentatricopeptide repeat containing; minus strand). Cytogenetic location: 2p21.
Variant type: single nucleotide variant.
Coding change: c.2086C>T on transcript NM_133259.4 (MANE Select); coding-DNA position 2086, C replaced by T.
Protein change: p.Gln696Ter; replaces glutamine 696 with a stop codon.
Molecular consequence: nonsense.
Genome position (GRCh38, 1-based): chr2:43,946,237, G>A on the plus strand (C>T on the coding strand, the complement: LRPPRC is on the minus strand). VCF-style: chr2-43946237-G-A. GRCh37 (hg19) VCF-style: chr2-44173376-G-A.
Other names: short protein forms Q696*.
Identifiers: ClinVar variation 1726413 (VCV001726413.3), dbSNP rs765834734, ClinGen allele CA346674720.